The following is an entry in ClinVar:

NM_172107.4(KCNQ2):c.442G>A (p.Ala148Thr)

Gene: KCNQ2 (potassium voltage-gated channel subfamily Q member 2; minus strand). Cytogenetic location: 20q13.33.
Variant type: single nucleotide variant.
Coding change: c.442G>A on transcript NM_172107.4 (MANE Select); coding-DNA position 442, G replaced by A.
Protein change: p.Ala148Thr; replaces alanine 148 with threonine.
Molecular consequence: missense variant.
Genome position (GRCh38, 1-based): chr20:63,445,310, C>T on the plus strand (G>A on the coding strand, the complement: KCNQ2 is on the minus strand). VCF-style: chr20-63445310-C-T. GRCh37 (hg19) VCF-style: chr20-62076663-C-T.
Other names: c.442G>A (NM_172107.3); c.442G>A, p.Ala148Thr (NM_001382235.1, NM_004518.6, NM_172106.3 and 2 more transcripts); short protein forms A148T.
Identifiers: ClinVar variation 967422 (VCV000967422.11), dbSNP rs2081379814, ClinGen allele CA409655397.

ClinVar aggregate classification (germline): Uncertain significance. Review status: criteria provided, multiple submitters, no conflicts (2 of 4 stars). 2 submissions from 2 submitters: Uncertain significance (2). Last evaluated 2022-09-29.

Conditions:
Early-infantile DEE. Also called: Ohtahara syndrome; Early infantile epileptic encephalopathy with suppression bursts; Early infantile epileptic encephalopathy. Identifiers: Orphanet 1934, MedGen C0393706, MONDO:0800491.
KCNQ2-Related Disorders. Also called: KCNQ2-related condition; KCNQ2-related disorder. Identifiers: MedGen CN169299.

Submissions (2):

PreventionGenetics, part of Exact Sciences
Classification: Uncertain significance for KCNQ2-related condition. Last evaluated: 2022-09-29. Review status: criteria provided, single submitter. Criteria: ACMG Guidelines, 2015. Collection method: clinical testing. Allele origin: germline.
Comment: The KCNQ2 c.442G>A variant is predicted to result in the amino acid substitution p.Ala148Thr. To our knowledge, this variant has not been reported in the literature or in a large population database, indicating this variant is rare. At this time, the clinical significance of this variant is uncertain due to the absence of conclusive functional and genetic evidence.

Labcorp Genetics (formerly Invitae), Labcorp
Classification: Uncertain significance for Early-infantile DEE. Last evaluated: 2019-11-16. Review status: criteria provided, single submitter. Criteria: Invitae Variant Classification Sherloc (09022015). Collection method: clinical testing. Allele origin: germline.
Comment: This sequence change replaces alanine with threonine at codon 148 of the KCNQ2 protein (p.Ala148Thr). The alanine residue is highly conserved and there is a small physicochemical difference between alanine and threonine. This variant is not present in population databases (ExAC no frequency). This variant has not been reported in the literature in individuals with KCNQ2-related conditions. Algorithms developed to predict the effect of missense changes on protein structure and function are either unavailable or do not agree on the potential impact of this missense change (SIFT: "Deleterious"; PolyPhen-2: "Probably Damaging"; Align-GVGD: "Class C0"). In summary, the available evidence is currently insufficient to determine the role of this variant in disease. Therefore, it has been classified as a Variant of Uncertain Significance.